The following is an entry in ClinVar:

ClinVar aggregate classification (germline): Uncertain significance (1 of 4 stars; one submission).

Conditions:
Cohen syndrome (COH1). Also called: Cutis verticis gyrata, retinitis pigmentosa, and sensorineural deafness; PEPPER SYNDROME. Identifiers: Orphanet 193, MedGen C0265223, MONDO:0008999, OMIM 216550.

Submission:

Labcorp Genetics (formerly Invitae), Labcorp
Classification: Uncertain significance for Cohen syndrome. Last evaluated: 2022-08-16. Review status: criteria provided, single submitter. Criteria: Invitae Variant Classification Sherloc (09022015). Collection method: clinical testing. Allele origin: germline.
Comment: Algorithms developed to predict the effect of missense changes on protein structure and function are either unavailable or do not agree on the potential impact of this missense change (SIFT: "Not Available"; PolyPhen-2: "Probably Damaging"; Align-GVGD: "Not Available"). This sequence change replaces glutamic acid, which is acidic and polar, with glutamine, which is neutral and polar, at codon 1770 of the VPS13B protein (p.Glu1770Gln). This variant is not present in population databases (gnomAD no frequency). This variant has not been reported in the literature in individuals affected with VPS13B-related conditions. In summary, the available evidence is currently insufficient to determine the role of this variant in disease. Therefore, it has been classified as a Variant of Uncertain Significance.

NM_152564.5(VPS13B):c.5233G>C (p.Glu1745Gln)

Gene: VPS13B (vacuolar protein sorting 13 homolog B; plus strand). Cytogenetic location: 8q22.2.
Variant type: single nucleotide variant.
Coding change: c.5233G>C on transcript NM_152564.5 (MANE Select); coding-DNA position 5233, G replaced by C.
Protein change: p.Glu1745Gln; replaces glutamic acid 1745 with glutamine.
Molecular consequence: missense variant.
Genome position (GRCh38, 1-based): chr8:99,641,823, G>C. VCF-style: chr8-99641823-G-C. GRCh37 (hg19) VCF-style: chr8-100654051-G-C.
Other names: c.5308G>C, p.Glu1770Gln (NM_017890.5); short protein forms E1745Q, E1770Q.
Identifiers: ClinVar variation 2065907 (VCV002065907.4), dbSNP rs1279522825, ClinGen allele CA371872105.